The following is an entry in ClinVar:

ClinVar aggregate classification (germline): Conflicting classifications of pathogenicity. Review status: criteria provided, conflicting classifications (1 of 4 stars). 4 submissions from 3 submitters: Uncertain significance (1); Benign (1); Likely benign (2). Last evaluated 2024-06-30.

Conditions:
Autosomal dominant nonsyndromic hearing loss 17. Also called: Deafness, autosomal dominant 17; Autosomal dominant nonsyndromic deafness 17. Identifiers: Orphanet 90635, MedGen C1863659, MONDO:0011350, OMIM 603622.
MYH9-related disorder. Identifiers: MedGen C1854520.

Allele frequency attached by ClinVar (database versions not stated): ExAC 0.00002; TOPMed 0.00004; ESP Exome Variant Server 0.00015.
gnomAD v4.1: 42 of 1,613,564 alleles (0.0026%); highest among the groups gnomAD compares: African/African-American, 0.045%; 1 homozygote.

Submissions (4):

Labcorp Genetics (formerly Invitae), Labcorp
Classification: Likely benign. Last evaluated: 2024-06-30. Review status: criteria provided, single submitter. Criteria: Invitae Variant Classification Sherloc (09022015). Collection method: clinical testing. Allele origin: germline.

Blueprint Genetics
Classification: Likely benign. Last evaluated: 2024-06-24. Review status: criteria provided, single submitter. Criteria: ACMG Guidelines, 2015. Collection method: clinical testing. Allele origin: germline.

Illumina Laboratory Services, Illumina
Classification: Benign for MYH9-related disorder. Last evaluated: 2018-01-13. Review status: criteria provided, single submitter. Criteria: ICSL Variant Classification Criteria 13 December 2019. Collection method: clinical testing. Allele origin: germline.
Comment: This variant was observed in the ICSL laboratory as part of a predisposition screen in an ostensibly healthy population. It had not been previously curated by ICSL or reported in the Human Gene Mutation Database (HGMD: prior to June 1st, 2018), and was therefore a candidate for classification through an automated scoring system. Utilizing variant allele frequency, disease prevalence and penetrance estimates, and inheritance mode, an automated score was calculated to assess if this variant is too frequent to cause the disease. Based on the score and internal cut-off values, a variant classified as benign is not then subjected to further curation. The score for this variant resulted in a classification of benign for this disease.

Illumina Laboratory Services, Illumina
Classification: Uncertain significance for Autosomal dominant nonsyndromic hearing loss 17. Last evaluated: 2018-01-13. Review status: criteria provided, single submitter. Criteria: ICSL Variant Classification Criteria 13 December 2019. Collection method: clinical testing. Allele origin: germline.

NM_002473.6(MYH9):c.2442G>A (p.Arg814=)

Gene: MYH9 (myosin heavy chain 9; minus strand). Cytogenetic location: 22q12.3.
Variant type: single nucleotide variant.
Coding change: c.2442G>A on transcript NM_002473.6 (MANE Select); coding-DNA position 2442, G replaced by A.
Protein change: p.Arg814=; no amino-acid change (arginine 814 retained).
Molecular consequence: synonymous variant.
Genome position (GRCh38, 1-based): chr22:36,302,625, C>T on the plus strand (G>A on the coding strand, the complement: MYH9 is on the minus strand). VCF-style: chr22-36302625-C-T. GRCh37 (hg19) VCF-style: chr22-36698671-C-T.
Identifiers: ClinVar variation 901722 (VCV000901722.8), dbSNP rs113783861, ClinGen allele CA10209959.